The following is an entry in ClinVar:

ClinVar aggregate classification (germline): Likely benign (0 of 4 stars; one submission).

Conditions:
TBC1D4-related disorder. Also called: TBC1D4-related condition.

Allele frequency attached by ClinVar (database versions not stated): TOPMed 0.00001; ExAC 0.00003; gnomAD exomes 0.00004; gnomAD 0.00005.
gnomAD v4.1: 66 of 1,613,944 alleles (0.0041%); highest among the groups gnomAD compares: Non-Finnish European, 0.0047%; no homozygotes.

Submission:

PreventionGenetics, part of Exact Sciences
Classification: Likely benign for TBC1D4-related condition. Last evaluated: 2019-07-16. Review status: no assertion criteria provided. Collection method: clinical testing. Allele origin: germline.
Comment: This variant is classified as likely benign based on ACMG/AMP sequence variant interpretation guidelines (Richards et al. 2015 PMID: 25741868, with internal and published modifications).

NM_014832.5(TBC1D4):c.1807-9G>C

Genes: TBC1D4 (TBC1 domain family member 4; minus strand), LOC126861801 (BRD4-independent group 4 enhancer GRCh37_chr13:75899800-75900999; plus strand). Cytogenetic location: 13q22.2.
Variant type: single nucleotide variant.
Coding change: c.1807-9G>C on transcript NM_014832.5 (MANE Select); 9 bases into the intron before coding-DNA position 1807, G replaced by C.
Molecular consequence: intron variant.
Genome position (GRCh38, 1-based): chr13:75,326,432, C>G on the plus strand (G>C on the coding strand, the complement: TBC1D4 is on the minus strand). VCF-style: chr13-75326432-C-G. GRCh37 (hg19) VCF-style: chr13-75900568-C-G.
Other names: c.1807-9G>C (NM_001286659.2, NM_001286658.2).
Identifiers: ClinVar variation 3049351 (VCV003049351.2), dbSNP rs755215100, ClinGen allele CA7003881.